The following is an entry in ClinVar:

ClinVar aggregate classification (germline): Uncertain significance. Review status: criteria provided, multiple submitters, no conflicts (2 of 4 stars). 2 submissions from 2 submitters: Uncertain significance (2). Last evaluated 2023-10-10.

Conditions:
Perlman syndrome (PRLMNS). Identifiers: Orphanet 2849, MedGen C0796113, MONDO:0009965, OMIM 267000.
DIS3L2-related disorder. Also called: DIS3L2-related condition.

Allele frequency attached by ClinVar (database versions not stated): gnomAD exomes below 0.00001 and 0.00001; gnomAD 0.00001; TOPMed 0.00001; ExAC 0.00002.
gnomAD v4.1: 5 of 1,613,988 alleles (0.00031%); highest among the groups gnomAD compares: Non-Finnish European, 0.00042%; no homozygotes.

Submissions (2):

Labcorp Genetics (formerly Invitae), Labcorp
Classification: Uncertain significance for Perlman syndrome. Last evaluated: 2023-10-10. Review status: criteria provided, single submitter. Criteria: Invitae Variant Classification Sherloc (09022015). Collection method: clinical testing. Allele origin: germline.
Comment: This sequence change replaces lysine, which is basic and polar, with asparagine, which is neutral and polar, at codon 47 of the DIS3L2 protein (p.Lys47Asn). This variant is present in population databases (rs766516846, gnomAD 0.002%). This variant has not been reported in the literature in individuals affected with DIS3L2-related conditions. ClinVar contains an entry for this variant (Variation ID: 531905). An algorithm developed to predict the effect of missense changes on protein structure and function (PolyPhen-2) suggests that this variant is likely to be tolerated. In summary, the available evidence is currently insufficient to determine the role of this variant in disease. Therefore, it has been classified as a Variant of Uncertain Significance.

PreventionGenetics, part of Exact Sciences
Classification: Uncertain significance for DIS3L2-related condition. Last evaluated: 2022-09-16. Review status: criteria provided, single submitter. Criteria: ACMG Guidelines, 2015. Collection method: clinical testing. Allele origin: germline.
Comment: The DIS3L2 c.141G>T variant is predicted to result in the amino acid substitution p.Lys47Asn. To our knowledge, this variant has not been reported in the literature. This variant is reported in 0.0018% of alleles in individuals of European (Non-Finnish) descent in gnomAD. At this time, the clinical significance of this variant is uncertain due to the absence of conclusive functional and genetic evidence.

NM_152383.5(DIS3L2):c.141G>T (p.Lys47Asn)

Gene: DIS3L2 (DIS3 like 3'-5' exoribonuclease 2; plus strand). Cytogenetic location: 2q37.1.
Variant type: single nucleotide variant.
Coding change: c.141G>T on transcript NM_152383.5 (MANE Select); coding-DNA position 141, G replaced by T.
Protein change: p.Lys47Asn; replaces lysine 47 with asparagine.
Molecular consequence: missense variant. On other transcripts: non-coding transcript variant (2).
Genome position (GRCh38, 1-based): chr2:232,015,602, G>T. VCF-style: chr2-232015602-G-T. GRCh37 (hg19) VCF-style: chr2-232880312-G-T.
Other names: c.141G>T, p.Lys47Asn (NM_001257281.2, NM_001257282.2); short protein forms K47N.
Identifiers: ClinVar variation 531905 (VCV000531905.12), dbSNP rs766516846, ClinGen allele CA2163730.